The following is an entry in ClinVar:

ClinVar aggregate classification (germline): Uncertain significance. Review status: criteria provided, multiple submitters, no conflicts (2 of 4 stars). 2 submissions from 2 submitters: Uncertain significance (2). Last evaluated 2023-12-27.

Conditions:
Inborn genetic diseases. Identifiers: MedGen C0950123, MeSH D030342.

Allele frequency attached by ClinVar (database versions not stated): ExAC 0.00001; gnomAD 0.00001; gnomAD exomes 0.00001; TOPMed 0.00002.

Submissions (2):

Ambry Genetics
Classification: Uncertain significance for Inborn genetic diseases. Last evaluated: 2023-12-27. Review status: criteria provided, single submitter. Criteria: Ambry Variant Classification Scheme 2023. Collection method: clinical testing. Allele origin: germline.

Labcorp Genetics (formerly Invitae), Labcorp
Classification: Uncertain significance. Last evaluated: 2023-12-19. Review status: criteria provided, single submitter. Criteria: Invitae Variant Classification Sherloc (09022015). Collection method: clinical testing. Allele origin: germline.
Comment: This sequence change replaces arginine, which is basic and polar, with tryptophan, which is neutral and slightly polar, at codon 87 of the ADAMTSL4 protein (p.Arg87Trp). This variant is present in population databases (rs757643403, gnomAD 0.007%). This variant has not been reported in the literature in individuals affected with ADAMTSL4-related conditions. Advanced modeling of protein sequence and biophysical properties (such as structural, functional, and spatial information, amino acid conservation, physicochemical variation, residue mobility, and thermodynamic stability) performed at Invitae indicates that this missense variant is not expected to disrupt ADAMTSL4 protein function with a negative predictive value of 80%. In summary, the available evidence is currently insufficient to determine the role of this variant in disease. Therefore, it has been classified as a Variant of Uncertain Significance.

NM_019032.6(ADAMTSL4):c.259C>T (p.Arg87Trp)

Genes: ADAMTSL4 (ADAMTS like 4; plus strand), ADAMTSL4-AS2 (ADAMTSL4 antisense RNA 2; minus strand). Cytogenetic location: 1q21.2.
Variant type: single nucleotide variant.
Coding change: c.259C>T on transcript NM_019032.6 (MANE Select); coding-DNA position 259, C replaced by T.
Protein change: p.Arg87Trp; replaces arginine 87 with tryptophan.
Molecular consequence: missense variant.
Genome position (GRCh38, 1-based): chr1:150,553,078, C>T. VCF-style: chr1-150553078-C-T. GRCh37 (hg19) VCF-style: chr1-150525554-C-T.
Other names: c.259C>T, p.Arg87Trp (NM_001288607.2, NM_001288608.2, NM_001378596.1 and 1 more transcripts); c.259C>T (NM_019032.4); short protein forms R87W.
Identifiers: ClinVar variation 2891874 (VCV002891874.2), dbSNP rs757643403, ClinGen allele CA1077913.
Genomic context (GRCh38, chr1:150,553,078, plus strand): 5'-AGGAGCCGGACATGTCAGCTCCCTACAGTGCAGCTCCACCCGAGTCTGCCCCTCCCTCCC[C>T]GGCCCCCAAGACATCCAGAAGCCCTCCTCCCCCGGGGCCAGGGTCCCAGACCCCAGACTT-3'
Protein context (NP_061905.2, residues 77-97): QLHPSLPLPP[Arg87Trp]PPRHPEALLP